The following is an entry in ClinVar:

ClinVar aggregate classification (germline): Uncertain significance. Review status: criteria provided, multiple submitters, no conflicts (2 of 4 stars). 3 submissions from 3 submitters: Uncertain significance (2). 1 of the submissions does not count toward it. Last evaluated 2025-09-30.

Conditions:
Inborn genetic diseases. Identifiers: MedGen C0950123, MeSH D030342.
PLVAP-related disorder. Also called: PLVAP-related condition.

Allele frequency attached by ClinVar (database versions not stated): 1000 Genomes Project 30x 0.00078; 1000 Genomes Project 0.00100.
gnomAD v4.1: 115 of 1,614,022 alleles (0.0071%); highest among the groups gnomAD compares: South Asian, 0.11%; 1 homozygote.

Submissions (3):

Ambry Genetics
Classification: Uncertain significance for Inborn genetic diseases. Last evaluated: 2025-09-30. Review status: criteria provided, single submitter. Criteria: Ambry Variant Classification Scheme 2023. Collection method: clinical testing. Allele origin: germline.

Labcorp Genetics (formerly Invitae), Labcorp
Classification: Uncertain significance. Last evaluated: 2022-04-16. Review status: criteria provided, single submitter. Criteria: Invitae Variant Classification Sherloc (09022015). Collection method: clinical testing. Allele origin: germline.
Comment: This sequence change replaces proline, which is neutral and non-polar, with serine, which is neutral and polar, at codon 432 of the PLVAP protein (p.Pro432Ser). This variant is present in population databases (rs535533604, gnomAD 0.1%). This variant has not been reported in the literature in individuals affected with PLVAP-related conditions. Algorithms developed to predict the effect of missense changes on protein structure and function output the following: SIFT: "Tolerated"; PolyPhen-2: "Benign"; Align-GVGD: "Class C0". The serine amino acid residue is found in multiple mammalian species, which suggests that this missense change does not adversely affect protein function. In summary, the available evidence is currently insufficient to determine the role of this variant in disease. Therefore, it has been classified as a Variant of Uncertain Significance.

PreventionGenetics, part of Exact Sciences
Classification: Uncertain significance for PLVAP-related condition. Last evaluated: 2024-02-29. Review status: no assertion criteria provided. Collection method: clinical testing. Allele origin: germline. Not counted in ClinVar's aggregate classification.
Comment: The PLVAP c.1294C>T variant is predicted to result in the amino acid substitution p.Pro432Ser. To our knowledge, this variant has not been reported in the literature. This variant is reported in 0.091% of alleles in individuals of South Asian descent in gnomAD. Although we suspect that this variant may be benign, at this time, the clinical significance of this variant is uncertain due to the absence of conclusive functional and genetic evidence.

NM_031310.3(PLVAP):c.1294C>T (p.Pro432Ser)

Gene: PLVAP (plasmalemma vesicle associated protein; minus strand). Cytogenetic location: 19p13.11.
Variant type: single nucleotide variant.
Coding change: c.1294C>T on transcript NM_031310.3 (MANE Select); coding-DNA position 1294, C replaced by T.
Protein change: p.Pro432Ser; replaces proline 432 with serine.
Molecular consequence: missense variant.
Genome position (GRCh38, 1-based): chr19:17,360,556, G>A on the plus strand (C>T on the coding strand, the complement: PLVAP is on the minus strand). VCF-style: chr19-17360556-G-A. GRCh37 (hg19) VCF-style: chr19-17471365-G-A.
Other names: c.1294C>T (NM_031310.2, NM_031310.1); short protein forms P432S.
Identifiers: ClinVar variation 2417255 (VCV002417255.6), dbSNP rs535533604, ClinGen allele CA9293807.